The following is an entry in ClinVar:

NM_000321.3(RB1):c.155C>G (p.Thr52Arg)

Gene: RB1 (RB transcriptional corepressor 1; plus strand). Cytogenetic location: 13q14.2.
Variant type: single nucleotide variant.
Coding change: c.155C>G on transcript NM_000321.3 (MANE Select); coding-DNA position 155, C replaced by G.
Protein change: p.Thr52Arg; replaces threonine 52 with arginine.
Molecular consequence: missense variant.
Genome position (GRCh38, 1-based): chr13:48,307,297, C>G. VCF-style: chr13-48307297-C-G. GRCh37 (hg19) VCF-style: chr13-48881433-C-G.
Other names: short protein forms T52R.
Identifiers: ClinVar variation 1039846 (VCV001039846.8), dbSNP rs780588550, ClinGen allele CA388250460.

ClinVar aggregate classification (germline): Uncertain significance (1 of 4 stars; one submission).

Conditions:
Retinoblastoma (RB1). Also called: RETINOBLASTOMA, SOMATIC. Identifiers: Orphanet 790, MedGen C0035335, MeSH D012175, MONDO:0008380, OMIM 180200, HP:0009919. Disease mechanism: loss of function. Inheritance: Both sporadic and heritable forms are tested..

Submission:

Labcorp Genetics (formerly Invitae), Labcorp
Classification: Uncertain significance for Retinoblastoma. Last evaluated: 2024-08-01. Review status: criteria provided, single submitter. Criteria: Invitae Variant Classification Sherloc (09022015). Collection method: clinical testing. Allele origin: germline.
Comment: This sequence change replaces threonine, which is neutral and polar, with arginine, which is basic and polar, at codon 52 of the RB1 protein (p.Thr52Arg). This variant is not present in population databases (gnomAD no frequency). This variant has not been reported in the literature in individuals affected with RB1-related conditions. ClinVar contains an entry for this variant (Variation ID: 1039846). Advanced modeling of protein sequence and biophysical properties (such as structural, functional, and spatial information, amino acid conservation, physicochemical variation, residue mobility, and thermodynamic stability) has been performed at Invitae for this missense variant, however the output from this modeling did not meet the statistical confidence thresholds required to predict the impact of this variant on RB1 protein function. In summary, the available evidence is currently insufficient to determine the role of this variant in disease. Therefore, it has been classified as a Variant of Uncertain Significance.